The following is an entry in ClinVar:

ClinVar aggregate classification (germline): Uncertain significance (1 of 4 stars; one submission).

Conditions:
Hypertrophic cardiomyopathy. Also called: HYPERTROPHIC MYOCARDIOPATHY. Identifiers: Orphanet 217569, MedGen C0007194, MeSH D002312, MONDO:0005045, HP:0001639.

Submission:

Labcorp Genetics (formerly Invitae), Labcorp
Classification: Uncertain significance for Hypertrophic cardiomyopathy. Last evaluated: 2025-07-27. Review status: criteria provided, single submitter. Criteria: Invitae Variant Classification Sherloc (09022015). Collection method: clinical testing. Allele origin: germline.
Comment: This sequence change replaces alanine, which is neutral and non-polar, with serine, which is neutral and polar, at codon 432 of the MYBPC3 protein (p.Ala432Ser). This variant is not present in population databases (gnomAD no frequency). This variant has not been reported in the literature in individuals affected with MYBPC3-related conditions. An algorithm developed to predict the effect of missense changes on protein structure and function (PolyPhen-2) suggests that this variant is likely to be disruptive. In summary, the available evidence is currently insufficient to determine the role of this variant in disease. Therefore, it has been classified as a Variant of Uncertain Significance.

NM_000256.3(MYBPC3):c.1294G>T (p.Ala432Ser)

Gene: MYBPC3 (myosin binding protein C3; minus strand). Cytogenetic location: 11p11.2.
Variant type: single nucleotide variant.
Coding change: c.1294G>T on transcript NM_000256.3 (MANE Select); coding-DNA position 1294, G replaced by T.
Protein change: p.Ala432Ser; replaces alanine 432 with serine.
Molecular consequence: missense variant.
Genome position (GRCh38, 1-based): chr11:47,343,078, C>A on the plus strand (G>T on the coding strand, the complement: MYBPC3 is on the minus strand). VCF-style: chr11-47343078-C-A. GRCh37 (hg19) VCF-style: chr11-47364629-C-A.
Other names: short protein forms A432S.
Identifiers: ClinVar variation 4796930 (VCV004796930.1).